The following is an entry in ClinVar:

ClinVar aggregate classification (germline): Uncertain significance (1 of 4 stars; one submission).

gnomAD v4.1: 1 of 1,576,756 alleles (0.000063%); highest among the groups gnomAD compares: Non-Finnish European, 0.000087%; no homozygotes.

Submission:

Labcorp Genetics (formerly Invitae), Labcorp
Classification: Uncertain significance. Last evaluated: 2025-11-30. Review status: criteria provided, single submitter. Criteria: Invitae Variant Classification Sherloc (09022015). Collection method: clinical testing. Allele origin: germline.
Comment: This sequence change disrupts the translational stop signal of the ACTN1 mRNA. It is expected to extend the length of the ACTN1 protein by 37 additional amino acid residues. This variant is not present in population databases (gnomAD no frequency). This variant has not been reported in the literature in individuals affected with ACTN1-related conditions. Experimental studies and prediction algorithms are not available or were not evaluated, and the functional significance of this variant is currently unknown. In summary, the available evidence is currently insufficient to determine the role of this variant in disease. Therefore, it has been classified as a Variant of Uncertain Significance.

NM_001130004.2(ACTN1):c.2745A>T (p.Ter915Tyr)

Gene: ACTN1 (actinin alpha 1; minus strand). Cytogenetic location: 14q24.1.
Variant type: single nucleotide variant.
Coding change: c.2745A>T on transcript NM_001130004.2 (MANE Select); coding-DNA position 2745, A replaced by T.
Protein change: p.Ter915Tyr.
Molecular consequence: stop lost.
Genome position (GRCh38, 1-based): chr14:68,874,859, T>A on the plus strand (A>T on the coding strand, the complement: ACTN1 is on the minus strand). VCF-style: chr14-68874859-T-A. GRCh37 (hg19) VCF-style: chr14-69341576-T-A.
Other names: c.2679A>T, p.Ter893Tyr (NM_001102.4); c.2664A>T, p.Ter888Tyr (NM_001130005.2); c.2688A>T, p.Ter896Tyr (NM_001411035.1); c.2484A>T, p.Ter828Tyr (NM_001411036.1, NM_001424026.1); c.2808A>T, p.Ter936Tyr (NM_001424012.1); c.2805A>T, p.Ter935Tyr (NM_001424013.1); c.2793A>T, p.Ter931Tyr (NM_001424014.1); c.2766A>T, p.Ter922Tyr (NM_001424015.1); and 14 more.
Identifiers: ClinVar variation 4730109 (VCV004730109.1).